The following is an entry in ClinVar:

NM_001042492.3(NF1):c.422_437del (p.Val141fs)

Gene: NF1 (neurofibromin 1; plus strand). Cytogenetic location: 17q11.2.
Variant type: Deletion.
Coding change: c.422_437del on transcript NM_001042492.3 (MANE Select); coding-DNA positions 422 to 437, 16 bases deleted (TTTTATTTTCTCTCAG).
Protein change: p.Val141fs; shifts the reading frame from valine 141.
Molecular consequence: frameshift variant.
Genome position (GRCh38, 1-based): chr17:31,163,319-31,163,334, TTTTATTTTCTCTCAG deleted; deleting any 16 consecutive bases within chr17:31,163,318-31,163,334 gives the same sequence; the c. name uses the placement nearest the transcript's 3' end. VCF-style (leftmost placement, unchanged base first): chr17-31163317-GGTTTTATTTTCTCTCA-G. GRCh37 (hg19) VCF-style: chr17-29490335-GGTTTTATTTTCTCTCA-G.
Other names: c.422_437del16, p.Val141Alafs (NM_000267.4); c.422_437del, p.Val141fs (NM_001128147.3); c.422_437del16 (NM_000267.3); c.422_437delTTTTATTTTCTCTCAG (NM_000267.3); short protein forms V141fs.
Identifiers: ClinVar variation 524035 (VCV000524035.2), dbSNP rs1555606098, ClinGen allele CA658798757.
Genomic context (GRCh38, chr17:31,163,317, plus strand): 5'-TCTTCACACCTGTCGTGAAGGAAACCAGCATGCAGCTGAACTTCGGAATTCTGCCTCTGG[GGTTTTATTTTCTCTCA>G]GCTGCAACAACTTCAATGCAGTCTTTAGTCGCATTTCTACCAGGTTAGTGTGTAAATCCA-3'

ClinVar aggregate classification (germline): Pathogenic (1 of 4 stars; one submission).

Submission:

GeneDx
Classification: Pathogenic. Last evaluated: 2018-03-22. Review status: criteria provided, single submitter. Criteria: GeneDx Variant Classification (06012015). Collection method: clinical testing. Allele origin: germline. Affected: yes.
Comment: The c.422_437del16 variant has not been published as a pathogenic variant, nor has it been reported as a benign variant to our knowledge. The variant is not observed in large population cohorts (Lek et al., 2016). The variant causes a frameshift starting with codon Valine 141, changes this amino acid to an Alanine residue and creates a premature Stop codon at position 19 of the new reading frame, denoted p.Val141AlafsX19. This variant is predicted to cause loss of normal protein function either through protein truncation or nonsense-mediated mRNA decay. In summary, we consider this variant to be pathogenic.